The following is an entry in ClinVar:

NM_000093.5(COL5A1):c.4554+307C>A

Genes: COL5A1 (collagen type V alpha 1 chain; plus strand), LOC101448202 (uncharacterized LOC101448202; minus strand). Cytogenetic location: 9q34.3.
Variant type: single nucleotide variant.
Coding change: c.4554+307C>A on transcript NM_000093.5 (MANE Select); 307 bases into the intron after coding-DNA position 4554, C replaced by A.
Molecular consequence: intron variant.
Genome position (GRCh38, 1-based): chr9:134,820,530, C>A. VCF-style: chr9-134820530-C-A. GRCh37 (hg19) VCF-style: chr9-137712376-C-A.
Other names: c.4554+307C>A (NM_001278074.1).
Identifiers: ClinVar variation 683391 (VCV000683391.1), dbSNP rs117105170, ClinGen allele CA13040928.

ClinVar aggregate classification (germline): Likely benign (1 of 4 stars; one submission).

Allele frequency attached by ClinVar (database versions not stated): gnomAD 0.01756 and 0.01783; 1000 Genomes Project 0.00998; 1000 Genomes Project 30x 0.00999; TOPMed 0.01591.
gnomAD v4.1: 2,667 of 152,296 alleles (1.8%); highest among the groups gnomAD compares: Non-Finnish European, 2.7%; 33 homozygotes.

Submission:

GeneDx
Classification: Likely benign. Last evaluated: 2018-06-16. Review status: criteria provided, single submitter. Criteria: GeneDx Variant Classification (06012015). Collection method: clinical testing. Allele origin: germline. Affected: yes.
Comment: This variant is considered likely benign or benign based on one or more of the following criteria: it is a conservative change, it occurs at a poorly conserved position in the protein, it is predicted to be benign by multiple in silico algorithms, and/or has population frequency not consistent with disease.